The following is an entry in ClinVar:

NM_007294.4(BRCA1):c.1299dup (p.Ser434fs)

Gene: BRCA1 (BRCA1 DNA repair associated; minus strand). Cytogenetic location: 17q21.31.
Variant type: Duplication.
Coding change: c.1299dup on transcript NM_007294.4 (MANE Select); coding-DNA position 1299, one base duplicated (C; older notation c.1299dupC).
Protein change: p.Ser434fs; shifts the reading frame from serine 434.
Molecular consequence: frameshift variant. On other transcripts: intron variant (137).
Genome position (GRCh38, 1-based): chr17:43,094,232, G duplicated on the plus strand (C on the coding strand, the reverse complement: BRCA1 is on the minus strand); the first of 2 consecutive G bases (chr17:43,094,232-43,094,233); duplicating either gives the same sequence. VCF-style (leftmost placement, unchanged base first): chr17-43094231-T-TG. GRCh37 (hg19) VCF-style: chr17-41246248-T-TG.
Other names: c.1299dupC (NM_007294.3); c.283+512dup (NM_001408512.1); c.406+512dup (NM_001408510.1); c.643+512dup (NM_001408470.1, NM_001408464.1, NM_001408468.1 and 3 more transcripts); c.646+512dup (NM_001408469.1, NM_001408453.1, NM_001408461.1 and 11 more transcripts); c.784+512dup (NM_001408397.1, NM_001408401.1, NM_001408396.1 and 13 more transcripts); c.664+512dup (NM_001408436.1, NM_001408444.1, NM_001408438.1 and 12 more transcripts); c.787+512dup (NM_001407980.1, NM_001407993.1, NM_001407976.1 and 19 more transcripts); and 41 more; short protein forms S434fs, S387fs, S138fs, S306fs, S366fs, S386fs, S393fs, S407fs.
Identifiers: ClinVar variation 224419 (VCV000224419.4), dbSNP rs886037786, ClinGen allele CA10575951.

ClinVar aggregate classification (germline): Pathogenic. Review status: reviewed by expert panel (3 of 4 stars). 3 submissions from 3 submitters: Pathogenic (1). 2 of the submissions do not count toward it. Last evaluated 2017-12-15.

Conditions:
Breast-ovarian cancer, familial, susceptibility to, 1 (BROVCA1). Also called: BRCA1 Hereditary Breast and Ovarian Cancer; OVARIAN CANCER, SUSCEPTIBILITY TO. Identifiers: Orphanet 145, MedGen C2676676, MONDO:0011450, OMIM 604370. Disease mechanism: loss of function.
Familial cancer of breast. Also called: BREAST CANCER, FAMILIAL; hereditary breast carcinoma; Hereditary breast cancer. Identifiers: Orphanet 227535, MedGen C0346153, MONDO:0016419, OMIM 114480. Disease mechanism: loss of function.
Fanconi anemia, complementation group S (FANCS). Identifiers: MedGen C4554406, MONDO:0054748, OMIM 617883.
Breast neoplasm. Also called: Breast Neoplasms; Neoplasm of the breast; Neoplasm of breast; Breast tumor. Identifiers: MedGen C1458155, MeSH D001943, MONDO:0021100, HP:0100013. Disease mechanism: gain of function.

Submissions (3):

Evidence-based Network for the Interpretation of Germline Mutant Alleles (ENIGMA)
Classification: Pathogenic for Breast-ovarian cancer, familial, susceptibility to, 1. Last evaluated: 2017-12-15. Review status: reviewed by expert panel. Criteria: ENIGMA BRCA1/2 Classification Criteria (2017-06-29). Collection method: curation. Allele origin: germline. Study: ENIGMA.
Comment: Variant allele predicted to encode a truncated non-functional protein.

Department of Pathology and Laboratory Medicine, Sinai Health System
Classification: Pathogenic for Familial cancer of breast; Breast-ovarian cancer, familial, susceptibility to, 1; Fanconi anemia, complementation group S. Last evaluated: 2018-06-18. Review status: criteria provided, single submitter. Criteria: ACMG Guidelines, 2015. Collection method: clinical testing. Allele origin: germline. Not counted in ClinVar's aggregate classification.

Laboratory of Molecular Diagnosis of Cancer, West China Hospital, Sichuan University
Classification: Pathogenic for Breast neoplasm. Last evaluated: 2015-11-01. Review status: criteria provided, single submitter. Criteria: ACMG Guidelines, 2015. Collection method: research. Allele origin: germline. Affected: yes. Observed: 1 variant allele. Not counted in ClinVar's aggregate classification.

Literature cited by the submitters: PubMed 27257965 (cited by Department of Pathology and Laboratory Medicine, Sinai Health System and Laboratory of Molecular Diagnosis of Cancer, West China Hospital, Sichuan University).